The following is an entry in ClinVar:

ClinVar aggregate classification (germline): Likely benign (0 of 4 stars; one submission).

Conditions:
AP1B1-related disorder. Also called: AP1B1-related condition.

Allele frequency attached by ClinVar (database versions not stated): 1000 Genomes Project 30x 0.00031; 1000 Genomes Project 0.00040; TOPMed 0.00131; gnomAD 0.00162; ESP Exome Variant Server 0.00177; ExAC 0.00189; gnomAD exomes 0.00231.
gnomAD v4.1: 3,560 of 1,598,434 alleles (0.22%); highest among the groups gnomAD compares: Non-Finnish European, 0.27%; 4 homozygotes.

Submission:

PreventionGenetics, part of Exact Sciences
Classification: Likely benign for AP1B1-related condition. Last evaluated: 2022-02-03. Review status: no assertion criteria provided. Collection method: clinical testing. Allele origin: germline.
Comment: This variant is classified as likely benign based on ACMG/AMP sequence variant interpretation guidelines (Richards et al. 2015 PMID: 25741868, with internal and published modifications).

NM_001127.4(AP1B1):c.1827C>G (p.Ala609=)

Gene: AP1B1 (adaptor related protein complex 1 subunit beta 1; minus strand). Cytogenetic location: 22q12.2.
Variant type: single nucleotide variant.
Coding change: c.1827C>G on transcript NM_001127.4 (MANE Select); coding-DNA position 1827, C replaced by G.
Protein change: p.Ala609=; no amino-acid change (alanine 609 retained).
Molecular consequence: synonymous variant. On other transcripts: intron variant (1).
Genome position (GRCh38, 1-based): chr22:29,340,827, G>C on the plus strand (C>G on the coding strand, the complement: AP1B1 is on the minus strand). VCF-style: chr22-29340827-G-C. GRCh37 (hg19) VCF-style: chr22-29736816-G-C.
Other names: c.1827C>G, p.Ala609= (NM_001166019.2, NM_001378562.1, NM_001378563.1 and 1 more transcripts); c.1656C>G, p.Ala552= (NM_001378564.1, NM_001378565.1); c.1736-95C>G (NM_001378566.1).
Identifiers: ClinVar variation 3049847 (VCV003049847.2), dbSNP rs139231493, ClinGen allele CA10173020.
Genomic context (GRCh38, chr22:29,340,827, plus strand): 5'-CAGCAGGTCGCCCTGGGCGGGGATGACATCTGGCTGCTCCCCAGGAGGTGCTCCAGTAGG[G>C]GCTGTCTCAGGGCTCTCTGCGCTCTCACTCCTGCCGGGACACAGAAGTAGGGTGGAGGCA-3'
Protein context (NP_001118.3, residues 599-619): SSESAESPET[Ala609=]PTGAPPGEQP